The following is an entry in ClinVar:

ClinVar aggregate classification (germline): Uncertain significance. Review status: criteria provided, multiple submitters, no conflicts (2 of 4 stars). 2 submissions from 2 submitters: Uncertain significance (2). Last evaluated 2025-04-30.

Conditions:
Inborn genetic diseases. Identifiers: MedGen C0950123, MeSH D030342.

Submissions (2):

Ambry Genetics
Classification: Uncertain significance for Inborn genetic diseases. Last evaluated: 2025-04-30. Review status: criteria provided, single submitter. Criteria: Ambry Variant Classification Scheme 2023. Collection method: clinical testing. Allele origin: germline.

GeneDx
Classification: Uncertain significance. Last evaluated: 2024-12-10. Review status: criteria provided, single submitter. Criteria: GeneDx Variant Classification Process June 2021. Collection method: clinical testing. Allele origin: germline. Affected: yes.
Comment: Not observed at significant frequency in large population cohorts (gnomAD); In silico analysis supports that this missense variant has a deleterious effect on protein structure/function; Has not been previously published as pathogenic or benign to our knowledge

NM_031475.3(ESPN):c.581A>C (p.Glu194Ala)

Gene: ESPN (espin; plus strand). Cytogenetic location: 1p36.31.
Variant type: single nucleotide variant.
Coding change: c.581A>C on transcript NM_031475.3 (MANE Select); coding-DNA position 581, A replaced by C.
Protein change: p.Glu194Ala; replaces glutamic acid 194 with alanine.
Molecular consequence: missense variant.
Genome position (GRCh38, 1-based): chr1:6,440,346, A>C. VCF-style: chr1-6440346-A-C. GRCh37 (hg19) VCF-style: chr1-6500406-A-C.
Other names: c.581A>C, p.Glu194Ala (NM_001367473.1, NM_001367474.1); short protein forms E194A.
Identifiers: ClinVar variation 3903379 (VCV003903379.2).